The following is an entry in ClinVar:

NM_033004.4(NLRP1):c.4095_4096delinsTT (p.Arg1366Cys)

Gene: NLRP1 (NLR family pyrin domain containing 1; minus strand). Cytogenetic location: 17p13.2.
Variant type: Indel.
Coding change: c.4095_4096delinsTT on transcript NM_033004.4 (MANE Select); coding-DNA positions 4095 to 4096, CC replaced by TT.
Protein change: p.Arg1366Cys; replaces arginine 1366 with cysteine.
Molecular consequence: missense variant. On other transcripts: intron variant (1).
Genome position (GRCh38, 1-based): chr17:5,515,479-5,515,480, GG replaced by AA on the plus strand (CC replaced by TT on the coding strand, the reverse complement: NLRP1 is on the minus strand). VCF-style: chr17-5515479-GG-AA. GRCh37 (hg19) VCF-style: chr17-5418799-GG-AA.
Other names: c.3963_3964delinsTT, p.Arg1322Cys (NM_014922.5); c.4005_4006delinsTT, p.Arg1336Cys (NM_033006.4); c.3873_3874delinsTT, p.Arg1292Cys (NM_033007.4); c.4069+2266_4069+2267delinsTT (NM_001033053.3); short protein forms R1292C, R1336C, R1322C, R1366C.
Identifiers: ClinVar variation 1980211 (VCV001980211.4), dbSNP rs2507696316, ClinGen allele CA2580093549.

ClinVar aggregate classification (germline): Uncertain significance (1 of 4 stars; one submission).

Submission:

Labcorp Genetics (formerly Invitae), Labcorp
Classification: Uncertain significance. Last evaluated: 2025-11-16. Review status: criteria provided, single submitter. Criteria: Invitae Variant Classification Sherloc (09022015). Collection method: clinical testing. Allele origin: germline.
Comment: This sequence change replaces arginine, which is basic and polar, with cysteine, which is neutral and slightly polar, at codon 1366 of the NLRP1 protein (p.Arg1366Cys). Information on the frequency of this variant in the gnomAD database is not available, as this variant may be reported differently in the database. This variant has not been reported in the literature in individuals affected with NLRP1-related conditions. ClinVar contains an entry for this variant (Variation ID: 1980211). Experimental studies and prediction algorithms are not available or were not evaluated, and the functional significance of this variant is currently unknown. In summary, the available evidence is currently insufficient to determine the role of this variant in disease. Therefore, it has been classified as a Variant of Uncertain Significance.